The following is an entry in ClinVar:

NM_022841.7(RFX7):c.1574G>C (p.Arg525Thr)

Gene: RFX7 (regulatory factor X7; minus strand). Cytogenetic location: 15q21.3.
Variant type: single nucleotide variant.
Coding change: c.1574G>C on transcript NM_022841.7 (MANE Select); coding-DNA position 1574, G replaced by C.
Protein change: p.Arg525Thr; replaces arginine 525 with threonine.
Molecular consequence: missense variant.
Genome position (GRCh38, 1-based): chr15:56,096,154, C>G on the plus strand (G>C on the coding strand, the complement: RFX7 is on the minus strand). VCF-style: chr15-56096154-C-G. GRCh37 (hg19) VCF-style: chr15-56388352-C-G.
Other names: c.1283G>C, p.Arg428Thr (NM_001368073.2, NM_001368074.1, NM_001370554.1); c.1574G>C, p.Arg525Thr (NM_001370561.1); short protein forms R428T, R525T.
Identifiers: ClinVar variation 2663321 (VCV002663321.1), dbSNP rs2504990477, ClinGen allele CA392583107.
Genomic context (GRCh38, chr15:56,096,154, plus strand): 5'-GATGATGTTTCGGGTTCCACTTTGACTTCCACAGCAGATGTTCCCCCCGCACTGCTGCTC[C>G]TGGACCCAGGAGACTGAAGCGACACGACAGAACCATTCTTGATCTGTGGAACACTCCTTG-3'
Protein context (NP_073752.6, residues 515-535): SVVSLQSPGS[Arg525Thr]SSSAGGTSAV

ClinVar aggregate classification (germline): Uncertain significance (1 of 4 stars; one submission).

Submission:

GeneDx
Classification: Uncertain significance. Last evaluated: 2023-05-03. Review status: criteria provided, single submitter. Criteria: GeneDx Variant Classification Process June 2021. Collection method: clinical testing. Allele origin: germline. Affected: yes.
Comment: Not observed at significant frequency in large population cohorts (gnomAD); In silico analysis supports that this missense variant does not alter protein structure/function; Has not been previously published as pathogenic or benign to our knowledge